The following is an entry in ClinVar:

NM_001127496.3(SPRY4):c.878G>A (p.Ser293Asn)

Gene: SPRY4 (sprouty RTK signaling antagonist 4; minus strand). Cytogenetic location: 5q31.3.
Variant type: single nucleotide variant.
Coding change: c.878G>A on transcript NM_001127496.3 (MANE Select); coding-DNA position 878, G replaced by A.
Protein change: p.Ser293Asn; replaces serine 293 with asparagine.
Molecular consequence: missense variant.
Genome position (GRCh38, 1-based): chr5:142,314,231, C>T on the plus strand (G>A on the coding strand, the complement: SPRY4 is on the minus strand). VCF-style: chr5-142314231-C-T. GRCh37 (hg19) VCF-style: chr5-141693796-C-T.
Other names: c.878G>A, p.Ser293Asn (NM_001293289.3, NM_001293290.3); c.947G>A, p.Ser316Asn (NM_030964.5); short protein forms S293N, S316N.
Identifiers: ClinVar variation 2086379 (VCV002086379.4), dbSNP rs767152468, ClinGen allele CA3485449.

ClinVar aggregate classification (germline): Uncertain significance (1 of 4 stars; one submission).

Allele frequency attached by ClinVar (database versions not stated): ExAC 0.00002; gnomAD exomes 0.00003; TOPMed 0.00003.
gnomAD v4.1: 15 of 1,610,048 alleles (0.00093%); highest among the groups gnomAD compares: Admixed American, 0.025%; no homozygotes.

Submission:

Labcorp Genetics (formerly Invitae), Labcorp
Classification: Uncertain significance. Last evaluated: 2024-06-02. Review status: criteria provided, single submitter. Criteria: Invitae Variant Classification Sherloc (09022015). Collection method: clinical testing. Allele origin: germline.
Comment: This sequence change replaces serine, which is neutral and polar, with asparagine, which is neutral and polar, at codon 316 of the SPRY4 protein (p.Ser316Asn). This variant is present in population databases (rs767152468, gnomAD 0.05%). This variant has not been reported in the literature in individuals affected with SPRY4-related conditions. ClinVar contains an entry for this variant (Variation ID: 2086379). Algorithms developed to predict the effect of missense changes on protein structure and function output the following: SIFT: "Not Available"; PolyPhen-2: "Benign"; Align-GVGD: "Not Available". The asparagine amino acid residue is found in multiple mammalian species, which suggests that this missense change does not adversely affect protein function. In summary, the available evidence is currently insufficient to determine the role of this variant in disease. Therefore, it has been classified as a Variant of Uncertain Significance.